The following is an entry in ClinVar:

ClinVar aggregate classification (germline): Uncertain significance (1 of 4 stars; one submission).

Conditions:
Hereditary pheochromocytoma and paraganglioma. Also called: Hereditary paragangliomas and pheochromocytomas; Hereditary Paraganglioma-Pheochromocytoma Syndromes; Hereditary pheochromocytoma-paraganglioma. Identifiers: Orphanet 29072, MedGen C4274332, MONDO:0017366.

Submission:

Labcorp Genetics (formerly Invitae), Labcorp
Classification: Uncertain significance for Hereditary pheochromocytoma and paraganglioma. Last evaluated: 2022-02-04. Review status: criteria provided, single submitter. Criteria: Invitae Variant Classification Sherloc (09022015). Collection method: clinical testing. Allele origin: germline.
Comment: This sequence change replaces glutamic acid, which is acidic and polar, with glycine, which is neutral and non-polar, at codon 158 of the MAX protein (p.Glu158Gly). In summary, the available evidence is currently insufficient to determine the role of this variant in disease. Therefore, it has been classified as a Variant of Uncertain Significance. Algorithms developed to predict the effect of missense changes on protein structure and function are either unavailable or do not agree on the potential impact of this missense change (SIFT: "Tolerated"; PolyPhen-2: "Possibly Damaging"; Align-GVGD: "Class C0"). This variant has not been reported in the literature in individuals affected with MAX-related conditions. This variant is not present in population databases (gnomAD no frequency).

NM_002382.5(MAX):c.473A>G (p.Glu158Gly)

Gene: MAX (MYC associated transcriptional regulator X; minus strand). Cytogenetic location: 14q23.3.
Variant type: single nucleotide variant.
Coding change: c.473A>G on transcript NM_002382.5 (MANE Select); coding-DNA position 473, A replaced by G.
Protein change: p.Glu158Gly; replaces glutamic acid 158 with glycine.
Molecular consequence: missense variant. On other transcripts: 3 prime UTR variant (1), intron variant (2).
Genome position (GRCh38, 1-based): chr14:65,076,486, T>C on the plus strand (A>G on the coding strand, the complement: MAX is on the minus strand). VCF-style: chr14-65076486-T-C. GRCh37 (hg19) VCF-style: chr14-65543204-T-C.
Other names: c.284A>G, p.Glu95Gly (NM_001320415.2, NM_001407105.1, NM_001407106.1 and 1 more transcripts); c.473A>G, p.Glu158Gly (NM_001407094.1); c.446A>G, p.Glu149Gly (NM_001407095.1, NM_145112.3); c.*246A>G (NM_001407096.1, NM_001407099.1, NM_001407102.1 and 2 more transcripts); c.*262A>G (NM_001407097.1, NM_001407100.1, NM_001407101.1 and 4 more transcripts); c.365A>G, p.Glu122Gly (NM_001407098.1); c.272A>G, p.Glu91Gly (NM_001407111.1, NM_001407112.1); c.144+17222A>G (NM_001271069.2); and 1 more; short protein forms E149G, E91G, E158G, E122G, E95G.
Identifiers: ClinVar variation 2093029 (VCV002093029.4), dbSNP rs2504172464, ClinGen allele CA390031092.